The following is an entry in ClinVar:

ClinVar aggregate classification (germline): Benign. Review status: criteria provided, single submitter (1 of 4 stars). 2 submissions from 2 submitters: Benign (1). 1 of the submissions does not count toward it. Last evaluated 2026-05-09.

Conditions:
H19-related disorder. Also called: H19-related condition.

Allele frequency attached by ClinVar (database versions not stated): ExAC 0.04298; ESP Exome Variant Server 0.02182; 1000 Genomes Project 0.06030.

Submissions (2):

Women's Health and Genetics/Laboratory Corporation of America, LabCorp
Classification: Benign. Last evaluated: 2026-05-09. Review status: criteria provided, single submitter. Criteria: LabCorp Variant Classification Summary - May 2015. Collection method: clinical testing. Allele origin: germline.

PreventionGenetics, part of Exact Sciences
Classification: Benign for H19-related condition. Last evaluated: 2019-03-30. Review status: no assertion criteria provided. Collection method: clinical testing. Allele origin: germline. Not counted in ClinVar's aggregate classification.
Comment: This variant is classified as benign based on ACMG/AMP sequence variant interpretation guidelines (Richards et al. 2015 PMID: 25741868, with internal and published modifications).

NR_002196.3(H19):n.2004A>T

Genes: H19 (H19 imprinted maternally expressed transcript; minus strand), HOTS (H19 opposite tumor suppressor; plus strand), MRPL23 (mitochondrial ribosomal protein L23; plus strand). Cytogenetic location: 11p15.5.
Variant type: single nucleotide variant.
Molecular consequence: non-coding transcript variant (on NR_002196.3). On other transcripts: intron variant (1).
Genome position: GRCh38 VCF-style: chr11-1995487-T-A. GRCh37 (hg19) VCF-style: chr11-2016717-T-A.
Other names: c.498-16054T>A (NM_001400176.1).
Identifiers: ClinVar variation 3060734 (VCV003060734.3), dbSNP rs3741216, ClinGen allele CA5817165.